The following is an entry in ClinVar:

ClinVar aggregate classification (germline): Uncertain significance (1 of 4 stars; one submission).

Conditions:
Arrhythmogenic cardiomyopathy with wooly hair and keratoderma. Also called: PALMOPLANTAR KERATODERMA WITH LEFT VENTRICULAR CARDIOMYOPATHY AND WOOLLY HAIR; Carvajal syndrome; Dilated cardiomyopathy with woolly hair and keratoderma; Arrhythmogenic cardiomyopathy with woolly hair and keratoderma. Identifiers: Orphanet 65282, MedGen C1854063, MONDO:0011581, OMIM 605676.

Submission:

All of Us Research Program, National Institutes of Health
Classification: Uncertain significance for Arrhythmogenic cardiomyopathy with wooly hair and keratoderma. Last evaluated: 2023-11-20. Review status: criteria provided, single submitter. Criteria: ACMG Guidelines, 2015. Collection method: clinical testing. Allele origin: germline. Inheritance: Autosomal dominant inheritance. Observed: 1 variant allele, 1 heterozygote.
Comment: This missense variant replaces arginine with leucine at codon 1934 of the DSP protein. Computational prediction suggests that this variant may not impact protein structure and function (internally defined REVEL score threshold <= 0.5, PMID: 27666373). To our knowledge, functional studies have not been reported for this variant. This variant has not been reported in individuals affected with DSP-related disorders in the literature. This variant has not been identified in the general population by the Genome Aggregation Database (gnomAD). The available evidence is insufficient to determine the role of this variant in disease conclusively. Therefore, this variant is classified as a Variant of Uncertain Significance.

This study involves interpretation of variants in research participants for the purpose of population health screening. Participant phenotype was not available at the time of variant classification. Additional details can be found in publication PMID: 35346344, PMCID: PMC8962531

NM_004415.4(DSP):c.5801G>T (p.Arg1934Leu)

Gene: DSP (desmoplakin; plus strand). Cytogenetic location: 6p24.3.
Variant type: single nucleotide variant.
Coding change: c.5801G>T on transcript NM_004415.4 (MANE Select); coding-DNA position 5801, G replaced by T.
Protein change: p.Arg1934Leu; replaces arginine 1934 with leucine.
Molecular consequence: missense variant.
Genome position (GRCh38, 1-based): chr6:7,583,063, G>T. VCF-style: chr6-7583063-G-T. GRCh37 (hg19) VCF-style: chr6-7583296-G-T.
Other names: c.4004G>T, p.Arg1335Leu (NM_001008844.3); c.4472G>T, p.Arg1491Leu (NM_001319034.2); short protein forms R1335L, R1491L, R1934L.
Identifiers: ClinVar variation 3074475 (VCV003074475.1), dbSNP rs1471613374, ClinGen allele CA362689442.